The following is an entry in ClinVar:

ClinVar aggregate classification (germline): Uncertain significance. Review status: criteria provided, multiple submitters, no conflicts (2 of 4 stars). 2 submissions from 2 submitters: Uncertain significance (2). Last evaluated 2025-10-17.

Submissions (2):

Women's Health and Genetics/Laboratory Corporation of America, LabCorp
Classification: Uncertain significance. Last evaluated: 2025-10-17. Review status: criteria provided, single submitter. Criteria: LabCorp Variant Classification Summary - May 2015. Collection method: clinical testing. Allele origin: germline.

Labcorp Genetics (formerly Invitae), Labcorp
Classification: Uncertain significance. Last evaluated: 2022-07-16. Review status: criteria provided, single submitter. Criteria: Invitae Variant Classification Sherloc (09022015). Collection method: clinical testing. Allele origin: germline.
Comment: This sequence change falls in intron 6 of the ERCC2 gene. It does not directly change the encoded amino acid sequence of the ERCC2 protein. It affects a nucleotide within the consensus splice site. This variant is not present in population databases (gnomAD no frequency). This variant has not been reported in the literature in individuals affected with ERCC2-related conditions. Variants that disrupt the consensus splice site are a relatively common cause of aberrant splicing (PMID: 17576681, 9536098). Algorithms developed to predict the effect of sequence changes on RNA splicing suggest that this variant is not likely to affect RNA splicing. In summary, the available evidence is currently insufficient to determine the role of this variant in disease. Therefore, it has been classified as a Variant of Uncertain Significance.

Literature cited by the submitters: PubMed 17576681 (cited by Labcorp Genetics (formerly Invitae), Labcorp); PubMed 9536098 (cited by Labcorp Genetics (formerly Invitae), Labcorp).

NM_000400.4(ERCC2):c.477+5C>G

Gene: ERCC2 (ERCC excision repair 2, TFIIH core complex helicase subunit; minus strand). Cytogenetic location: 19q13.32.
Variant type: single nucleotide variant.
Coding change: c.477+5C>G on transcript NM_000400.4 (MANE Select); 5 bases into the intron after coding-DNA position 477, C replaced by G.
Molecular consequence: intron variant.
Genome position (GRCh38, 1-based): chr19:45,365,037, G>C on the plus strand (C>G on the coding strand, the complement: ERCC2 is on the minus strand). VCF-style: chr19-45365037-G-C. GRCh37 (hg19) VCF-style: chr19-45868295-G-C.
Other names: c.405+5C>G (NM_001130867.2).
Identifiers: ClinVar variation 2184990 (VCV002184990.2), dbSNP rs2514034718, ClinGen allele CA2580097392.